The following is an entry in ClinVar:

NM_016032.4(ZDHHC9):c.290C>T (p.Ala97Val)

Gene: ZDHHC9 (zDHHC palmitoyltransferase 9; minus strand). Cytogenetic location: Xq26.1.
Variant type: single nucleotide variant.
Coding change: c.290C>T on transcript NM_016032.4 (MANE Select); coding-DNA position 290, C replaced by T.
Protein change: p.Ala97Val; replaces alanine 97 with valine.
Molecular consequence: missense variant.
Genome position (GRCh38, 1-based): chrX:129,829,019, G>A on the plus strand (C>T on the coding strand, the complement: ZDHHC9 is on the minus strand). VCF-style: chrX-129829019-G-A. GRCh37 (hg19) VCF-style: chrX-128962995-G-A.
Other names: c.290C>T, p.Ala97Val (NM_001008222.3); short protein forms A97V.
Identifiers: ClinVar variation 3252659 (VCV003252659.3), dbSNP rs2522218641.
Genomic context (GRCh38, chrX:129,829,019, plus strand): 5'-GCCAGCTGGTTGGAAGACTCACCTATCTCCATTTCTATGAAAGCTGCTTCATCTGGTAGC[G>A]CCCGAGGAATCACTCCAGGGTCACTGAAGCTGGTCCTCAACAGTGTAGCCATGGAGAAAA-3'
Protein context (NP_057116.2, residues 87-107): SFSDPGVIPR[Ala97Val]LPDEAAFIEM

ClinVar aggregate classification (germline): Uncertain significance. Review status: criteria provided, multiple submitters, no conflicts (2 of 4 stars). 2 submissions from 2 submitters: Uncertain significance (2). Last evaluated 2025-07-02.

Allele frequency attached by ClinVar (database versions not stated): gnomAD exomes below 0.00001.
gnomAD v4.1: 1 of 1,211,606 alleles (0.000083%); highest among the groups gnomAD compares: Non-Finnish European, 0.00011%; no homozygotes.

Submissions (2):

Women's Health and Genetics/Laboratory Corporation of America, LabCorp
Classification: Uncertain significance. Last evaluated: 2025-07-02. Review status: criteria provided, single submitter. Criteria: LabCorp Variant Classification Summary - May 2015. Collection method: clinical testing. Allele origin: germline.
Comment: Variant summary: ZDHHC9 c.290C>T (p.Ala97Val) results in a non-conservative amino acid change in the encoded protein sequence. Algorithms developed to predict the effect of missense changes on protein structure and function are either unavailable or do not agree on the potential impact of this missense change. The variant was absent in 183351 control chromosomes (gnomAD). The available data on variant occurrences in the general population are insufficient to allow any conclusion about variant significance. To our knowledge, no occurrence of c.290C>T in individuals affected with Mental Retardation, X-Linked, Syndromic, Raymond Type and no experimental evidence demonstrating its impact on protein function have been reported. ClinVar contains an entry for this variant (Variation ID: 3252659). Based on the evidence outlined above, the variant was classified as uncertain significance.

GeneDx
Classification: Uncertain significance. Last evaluated: 2024-04-24. Review status: criteria provided, single submitter. Criteria: GeneDx Variant Classification Process June 2021. Collection method: clinical testing. Allele origin: germline. Affected: yes.
Comment: Not observed at significant frequency in large population cohorts (gnomAD); In silico analysis supports that this missense variant has a deleterious effect on protein structure/function; Has not been previously published as pathogenic or benign to our knowledge